The following is an entry in ClinVar:

NM_004360.5(CDH1):c.93C>T (p.Gly31=)

Gene: CDH1 (cadherin 1; plus strand). Cytogenetic location: 16q22.1.
Variant type: single nucleotide variant.
Coding change: c.93C>T on transcript NM_004360.5 (MANE Select); coding-DNA position 93, C replaced by T.
Protein change: p.Gly31=; no amino-acid change (glycine 31 retained).
Molecular consequence: synonymous variant. On other transcripts: 5 prime UTR variant (2).
Genome position (GRCh38, 1-based): chr16:68,738,341, C>T. VCF-style: chr16-68738341-C-T. GRCh37 (hg19) VCF-style: chr16-68772244-C-T.
Other names: c.93C>T, p.Gly31= (NM_001317184.2); c.-1523C>T (NM_001317185.2); c.-1727C>T (NM_001317186.2); c.93C>T (LRG_301t1).
Identifiers: ClinVar variation 479502 (VCV000479502.19), dbSNP rs1555509771, ClinGen allele CA496149605.
Genomic context (GRCh38, chr16:68,738,341, plus strand): 5'-CTTTCCCCCACCCCAGGTCTCCTCTTGGCTCTGCCAGGAGCCGGAGCCCTGCCACCCTGG[C>T]TTTGACGCCGAGAGCTACACGTTCACGGTGCCCCGGCGCCACCTGGAGAGAGGCCGCGTC-3'
Protein context (NP_004351.1, residues 21-41): LCQEPEPCHP[Gly31=]FDAESYTFTV

ClinVar aggregate classification (germline): Conflicting classifications of pathogenicity. Review status: criteria provided, conflicting classifications (1 of 4 stars). 5 submissions from 5 submitters: Uncertain significance (1); Benign (1); Likely benign (3). Last evaluated 2024-09-27.

Conditions:
Hereditary cancer-predisposing syndrome. Also called: Neoplastic Syndromes, Hereditary; Tumor predisposition; Hereditary neoplastic syndrome; Hereditary Cancer Syndrome. Identifiers: Orphanet 140162, MedGen C0027672, MeSH D009386, MONDO:0015356.
Hereditary diffuse gastric adenocarcinoma (HDGC). Also called: DIFFUSE GASTRIC AND LOBULAR BREAST CANCER SYNDROME. Identifiers: Orphanet 26106, MedGen C1708349, MONDO:0007648, OMIM 137215.

Allele frequency attached by ClinVar (database versions not stated): TOPMed below 0.00001; gnomAD 0.00001.
gnomAD v4.1: 1 of 1,535,394 alleles (0.000065%); highest among the groups gnomAD compares: Non-Finnish European, 0.000088%; no homozygotes.

Submissions (5):

Labcorp Genetics (formerly Invitae), Labcorp
Classification: Likely benign for Hereditary diffuse gastric adenocarcinoma. Last evaluated: 2024-09-27. Review status: criteria provided, single submitter. Criteria: Invitae Variant Classification Sherloc (09022015). Collection method: clinical testing. Allele origin: germline.

Myriad Genetics, Inc.
Classification: Benign for Hereditary diffuse gastric adenocarcinoma. Last evaluated: 2024-09-11. Review status: criteria provided, single submitter. Criteria: Myriad Autosomal Dominant, Autosomal Recessive and X-Linked Classification Criteria (2023). Collection method: clinical testing. Allele origin: unknown.
Comment: This variant is considered benign. This variant is a silent/synonymous amino acid change and it is not expected to impact splicing.

GeneDx
Classification: Uncertain significance. Last evaluated: 2023-08-27. Review status: criteria provided, single submitter. Criteria: GeneDx Variant Classification Process June 2021. Collection method: clinical testing. Allele origin: germline.
Comment: Not observed at significant frequency in large population cohorts (gnomAD); In silico analysis supports that this variant does not alter splicing; Has not been previously published as pathogenic or benign to our knowledge

Color Diagnostics, LLC DBA Color Health
Classification: Likely benign for Hereditary cancer-predisposing syndrome. Last evaluated: 2021-11-22. Review status: criteria provided, single submitter. Criteria: ACMG Guidelines, 2015. Collection method: clinical testing. Allele origin: germline.

Ambry Genetics
Classification: Likely benign for Hereditary cancer-predisposing syndrome. Last evaluated: 2016-05-24. Review status: criteria provided, single submitter. Criteria: Ambry Variant Classification Scheme 2023. Collection method: clinical testing. Allele origin: germline.